The following is an entry in ClinVar:

NM_014159.7(SETD2):c.6307A>C (p.Thr2103Pro)

Gene: SETD2 (SET domain containing 2, histone lysine methyltransferase; minus strand). Cytogenetic location: 3p21.31.
Variant type: single nucleotide variant.
Coding change: c.6307A>C on transcript NM_014159.7 (MANE Select); coding-DNA position 6307, A replaced by C.
Protein change: p.Thr2103Pro; replaces threonine 2103 with proline.
Molecular consequence: missense variant. On other transcripts: non-coding transcript variant (1).
Genome position (GRCh38, 1-based): chr3:47,057,477, T>G on the plus strand (A>C on the coding strand, the complement: SETD2 is on the minus strand). VCF-style: chr3-47057477-T-G. GRCh37 (hg19) VCF-style: chr3-47098967-T-G.
Other names: c.6175A>C, p.Thr2059Pro (NM_001349370.3); short protein forms T2059P, T2103P.
Identifiers: ClinVar variation 954489 (VCV000954489.2), dbSNP rs755881799, ClinGen allele CA352521830.
Genomic context (GRCh38, chr3:47,057,477, plus strand): 5'-TCCGGCGTTCCTCTGTAGAAAGTTTATTGCGGTCTTTAATTCGTACTTTCTTTTTAGAAG[T>G]TGGTGTATCATATCTAGAAAGAAAATAAGGACCACAAAAAGTTGCTCCCTAAATCATAGA-3'
Protein context (NP_054878.5, residues 2093-2113): KRPDDRYDTP[Thr2103Pro]SKKKVRIKDR

ClinVar aggregate classification (germline): Uncertain significance (1 of 4 stars; one submission).

Conditions:
Luscan-Lumish syndrome. Identifiers: Orphanet 597738, MedGen C4085873, MONDO:0014791, OMIM 616831.

Submission:

Labcorp Genetics (formerly Invitae), Labcorp
Classification: Uncertain significance for Luscan-Lumish syndrome. Last evaluated: 2019-09-24. Review status: criteria provided, single submitter. Criteria: Invitae Variant Classification Sherloc (09022015). Collection method: clinical testing. Allele origin: germline.
Comment: This sequence change replaces threonine with proline at codon 2103 of the SETD2 protein (p.Thr2103Pro). The threonine residue is moderately conserved and there is a small physicochemical difference between threonine and proline. This variant is not present in population databases (ExAC no frequency). This variant has not been reported in the literature in individuals with SETD2-related conditions. Algorithms developed to predict the effect of missense changes on protein structure and function are either unavailable or do not agree on the potential impact of this missense change (SIFT: Tolerated; PolyPhen-2: Possibly Damaging; Align-GVGD: Class C0). In summary, the available evidence is currently insufficient to determine the role of this variant in disease. Therefore, it has been classified as a Variant of Uncertain Significance.